The following is an entry in ClinVar:

ClinVar aggregate classification (germline): Pathogenic (1 of 4 stars; one submission).

Submission:

CeGaT Center for Human Genetics Tuebingen
Classification: Pathogenic. Last evaluated: 2025-01-01. Review status: criteria provided, single submitter. Criteria: CeGaT Center For Human Genetics Tuebingen Variant Classification Criteria Version 2. Collection method: clinical testing. Allele origin: germline. Affected: yes. Observed: 1 variant allele.
Comment: ASXL1: PS2, PVS1:Strong, PM2

NM_015338.6(ASXL1):c.1848_1849insTA (p.Ile617Ter)

Gene: ASXL1 (ASXL transcriptional regulator 1; plus strand). Cytogenetic location: 20q11.21.
Variant type: Insertion.
Coding change: c.1848_1849insTA on transcript NM_015338.6 (MANE Select); coding-DNA positions 1848 to 1849, TA inserted.
Protein change: p.Ile617Ter; replaces isoleucine 617 with a stop codon.
Molecular consequence: nonsense.
Genome position: GRCh38 VCF-style: chr20-32434560-C-CTA. GRCh37 (hg19) VCF-style: chr20-31022363-C-CTA.
Other names: c.1665_1666insTA, p.Ile556Ter (NM_001363734.1); short protein forms I556*, I617*.
Identifiers: ClinVar variation 3772185 (VCV003772185.13).